The following is an entry in ClinVar:

NM_003128.3(SPTBN1):c.7051A>C (p.Lys2351Gln)

Genes: SPTBN1 (spectrin beta, non-erythrocytic 1; plus strand), SPTBN1-AS2 (SPTBN1 antisense RNA 2; minus strand). Cytogenetic location: 2p16.2.
Variant type: single nucleotide variant.
Coding change: c.7051A>C on transcript NM_003128.3 (MANE Select); coding-DNA position 7051, A replaced by C.
Protein change: p.Lys2351Gln; replaces lysine 2351 with glutamine.
Molecular consequence: missense variant.
Genome position (GRCh38, 1-based): chr2:54,668,525, A>C. VCF-style: chr2-54668525-A-C. GRCh37 (hg19) VCF-style: chr2-54895662-A-C.
Other names: short protein forms K2351Q.
Identifiers: ClinVar variation 1997613 (VCV001997613.4), dbSNP rs2549587580, ClinGen allele CA346863734.
Genomic context (GRCh38, chr2:54,668,525, plus strand): 5'-ACCAGCGTCGTCACCATCACCAGCGAGTCCAGTCCCGGCAAGCGGGAAAAGGACAAAGAG[A>C]AAGACAAAGAGAAGCGGTTCAGCCTTTTTGGCAAAAAGAAATGAACTCCTTTCCTTCACC-3'
Protein context (NP_003119.2, residues 2341-2361): SPGKREKDKE[Lys2351Gln]DKEKRFSLFG

ClinVar aggregate classification (germline): Uncertain significance (1 of 4 stars; one submission).

Submission:

Labcorp Genetics (formerly Invitae), Labcorp
Classification: Uncertain significance. Last evaluated: 2022-05-21. Review status: criteria provided, single submitter. Criteria: Invitae Variant Classification Sherloc (09022015). Collection method: clinical testing. Allele origin: germline.
Comment: In summary, the available evidence is currently insufficient to determine the role of this variant in disease. Therefore, it has been classified as a Variant of Uncertain Significance. Algorithms developed to predict the effect of missense changes on protein structure and function are either unavailable or do not agree on the potential impact of this missense change (SIFT: "Tolerated"; PolyPhen-2: "Possibly Damaging"; Align-GVGD: "Class C0"). This variant has not been reported in the literature in individuals affected with SPTBN1-related conditions. This variant is not present in population databases (gnomAD no frequency). This sequence change replaces lysine, which is basic and polar, with glutamine, which is neutral and polar, at codon 2351 of the SPTBN1 protein (p.Lys2351Gln).